The following is an entry in ClinVar:

ClinVar aggregate classification (germline): Likely pathogenic (1 of 4 stars; one submission).

Conditions:
Charlevoix-Saguenay spastic ataxia (SACS). Also called: AUTOSOMAL RECESSIVE SPASTIC ATAXIA OF CHARLEVOIX-SAGUENAY; Spastic ataxia of Charlevoix-Saguenay; SPASTIC ATAXIA 6, AUTOSOMAL RECESSIVE. Identifiers: Orphanet 98, MedGen C1849140, MONDO:0010041, OMIM 270550.

Submission:

PROSPAX: an integrated multimodal progression  chart in spastic ataxias, Center for Neurology; Hertie-Institute for Clinical Brain Research
Classification: Likely pathogenic for Charlevoix-Saguenay spastic ataxia. Last evaluated: 2022-01-01. Review status: criteria provided, single submitter. Criteria: ACMG Guidelines, 2015. Collection method: research. Allele origin: germline. Affected: yes.
Comment: Variant seen in compound het: [c.4933C>T;c.888delT]

NM_014363.6(SACS):c.888del (p.Phe296fs)

Gene: SACS (sacsin molecular chaperone; minus strand). Cytogenetic location: 13q12.12.
Variant type: Deletion.
Coding change: c.888del on transcript NM_014363.6 (MANE Select); coding-DNA position 888, one base deleted (T; older notation c.888delT).
Protein change: p.Phe296fs; shifts the reading frame from phenylalanine 296.
Molecular consequence: frameshift variant.
Genome position (GRCh38, 1-based): chr13:23,355,724, A deleted on the plus strand (T on the coding strand, the reverse complement: SACS is on the minus strand); the first of 3 consecutive A bases (chr13:23,355,724-23,355,726); deleting any one gives the same sequence. VCF-style (leftmost placement, unchanged base first): chr13-23355723-CA-C. GRCh37 (hg19) VCF-style: chr13-23929862-CA-C.
Other names: c.447del, p.Phe149fs (NM_001278055.2); short protein forms F149fs, F296fs.
Identifiers: ClinVar variation 3242482 (VCV003242482.1).